The following is an entry in ClinVar:

ClinVar aggregate classification (germline): Uncertain significance (1 of 4 stars; one submission).

Conditions:
RSF1-related neurodevelopmental disorder.

Submission:

Equipe Genetique des Anomalies du Developpement, Université de Bourgogne
Classification: Uncertain significance for RSF1-related neurodevelopmental disorder. Last evaluated: 2025-11-10. Review status: criteria provided, single submitter. Criteria: ACMG Guidelines, 2015. Collection method: research. Allele origin: de novo. Affected: yes.
Comment: This is a heterozygous de novo nonsense variant NM_016578.4:c.2896C>T p.(Arg966Ter) in the gene RSF1 (chr11:g.77691163G>A, GRCh38). This variant is predicted to introduce a premature stop codon within the PHD-finger domain and to result in loss of normal protein function. It is absent from the database gnomAD (v4.1.0). In silico prediction metrics support a deleterious effect (CADD-Phred: 38.00; MPA: 10). The RSF1 gene is predicted to be intolerant to haploinsufficiency (pLI: 1; pLOEUF: 0.15, gnomAD v4.1.0). According to current evidence, this variant is classified as a variant of uncertain significance (class 3, according to ACMG criteria).

NM_016578.4(RSF1):c.2896C>T (p.Arg966Ter)

Gene: RSF1 (remodeling and spacing factor 1; minus strand). Cytogenetic location: 11q14.1.
Variant type: single nucleotide variant.
Coding change: c.2896C>T on transcript NM_016578.4 (MANE Select); coding-DNA position 2896, C replaced by T.
Protein change: p.Arg966Ter; replaces arginine 966 with a stop codon.
Molecular consequence: nonsense.
Genome position (GRCh38, 1-based): chr11:77,691,163, G>A on the plus strand (C>T on the coding strand, the complement: RSF1 is on the minus strand). VCF-style: chr11-77691163-G-A. GRCh37 (hg19) VCF-style: chr11-77402208-G-A.
Other names: short protein forms R966*.
Identifiers: ClinVar variation 4528923 (VCV004528923.1).